The following is an entry in ClinVar:

NM_173660.5(DOK7):c.1063T>G (p.Tyr355Asp)

Gene: DOK7 (docking protein 7; plus strand). Cytogenetic location: 4p16.3.
Variant type: single nucleotide variant.
Coding change: c.1063T>G on transcript NM_173660.5 (MANE Select); coding-DNA position 1063, T replaced by G.
Protein change: p.Tyr355Asp; replaces tyrosine 355 with aspartic acid.
Molecular consequence: missense variant. On other transcripts: 3 prime UTR variant (1).
Genome position (GRCh38, 1-based): chr4:3,493,049, T>G. VCF-style: chr4-3493049-T-G. GRCh37 (hg19) VCF-style: chr4-3494776-T-G.
Other names: c.*284T>G (NM_001164673.2); c.133T>G, p.Tyr45Asp (NM_001256896.2); c.1063T>G, p.Tyr355Asp (NM_001301071.2); c.631T>G, p.Tyr211Asp (NM_001363811.2); short protein forms Y211D, Y355D, Y45D.
Identifiers: ClinVar variation 3769551 (VCV003769551.2).

ClinVar aggregate classification (germline): Uncertain significance (1 of 4 stars; one submission).

Submission:

Women's Health and Genetics/Laboratory Corporation of America, LabCorp
Classification: Uncertain significance. Last evaluated: 2025-01-17. Review status: criteria provided, single submitter. Criteria: LabCorp Variant Classification Summary - May 2015. Collection method: clinical testing. Allele origin: germline.
Comment: Variant summary: DOK7 c.1063T>G (p.Tyr355Asp) results in a non-conservative amino acid change in the encoded protein sequence. Three of five in-silico tools predict a damaging effect of the variant on protein function. The variant was absent in 183500 control chromosomes. The available data on variant occurrences in the general population are insufficient to allow any conclusion about variant significance. To our knowledge, no occurrence of c.1063T>G in individuals affected with Congenital Myasthenic Syndrome and no experimental evidence demonstrating its impact on protein function have been reported. No submitters have cited clinical-significance assessments for this variant to ClinVar. Based on the evidence outlined above, the variant was classified as uncertain significance.